The following is an entry in ClinVar:

NM_000512.5(GALNS):c.278T>C (p.Ile93Thr)

Gene: GALNS (galactosamine (N-acetyl)-6-sulfatase; minus strand). Cytogenetic location: 16q24.3.
Variant type: single nucleotide variant.
Coding change: c.278T>C on transcript NM_000512.5 (MANE Select); coding-DNA position 278, T replaced by C.
Protein change: p.Ile93Thr; replaces isoleucine 93 with threonine.
Molecular consequence: missense variant. On other transcripts: 5 prime UTR variant (1).
Genome position (GRCh38, 1-based): chr16:88,841,938, A>G on the plus strand (T>C on the coding strand, the complement: GALNS is on the minus strand). VCF-style: chr16-88841938-A-G. GRCh37 (hg19) VCF-style: chr16-88908346-A-G.
Other names: c.-278T>C (NM_001323543.2); c.296T>C, p.Ile99Thr (NM_001323544.2); short protein forms I93T, I99T.
Identifiers: ClinVar variation 1048452 (VCV001048452.4), dbSNP rs1966993165, ClinGen allele CA397089250.

ClinVar aggregate classification (germline): Uncertain significance. Review status: criteria provided, multiple submitters, no conflicts (2 of 4 stars). 2 submissions from 2 submitters: Uncertain significance (2). Last evaluated 2024-12-10.

Conditions:
Mucopolysaccharidosis, MPS-IV-A (MPS4A). Also called: Mucopolysaccharidosis type IV A; Mucopolysaccharidosis Type IVA; Morquio syndrome A, mild; MORQUIO SYNDROME A; MPS IVA; mucopolysaccharidosis type 4A. Identifiers: Orphanet 309297, Orphanet 582, MedGen C0086651, MONDO:0009659, OMIM 253000.

Submissions (2):

Women's Health and Genetics/Laboratory Corporation of America, LabCorp
Classification: Uncertain significance. Last evaluated: 2024-12-10. Review status: criteria provided, single submitter. Criteria: LabCorp Variant Classification Summary - May 2015. Collection method: clinical testing. Allele origin: germline.
Comment: Variant summary: GALNS c.278T>C (p.Ile93Thr) results in a non-conservative amino acid change located in the Sulfatase domain of the encoded protein sequence. Three of five in-silico tools predict a damaging effect of the variant on protein function. The variant was absent in 247782 control chromosomes. The available data on variant occurrences in the general population are insufficient to allow any conclusion about variant significance. c.278T>C has been reported in the literature in at-least one individual affected with Mucopolysaccharidosis Type IVA (Morquio Syndrome A) (example: Xie_2019). These data do not allow any conclusion about variant significance. To our knowledge, no experimental evidence demonstrating an impact on protein function has been reported. The following publication has been ascertained in the context of this evaluation (PMID: 30458289).ClinVar contains an entry for this variant (Variation ID: 1048452). Based on the evidence outlined above, the variant was classified as uncertain significance.

Laboratory of Diagnosis and Therapy of Lysosomal Disorders, University of Padova
Classification: Uncertain significance for Mucopolysaccharidosis, MPS-IV-A. Last evaluated: 2021-02-01. Review status: criteria provided, single submitter. Criteria: ACMG Guidelines, 2015. Collection method: curation. Allele origin: germline. Affected: yes.
Comment: Absent from gnomAD v2.1.1 (PM2_moderate); multiple lines of computational evidence support a deleterious effect on the gene (PP3_supporting)

Literature cited by the submitters: PubMed 30458289 (cited by Women's Health and Genetics/Laboratory Corporation of America, LabCorp and Laboratory of Diagnosis and Therapy of Lysosomal Disorders, University of Padova); PubMed 34387910 (cited by Laboratory of Diagnosis and Therapy of Lysosomal Disorders, University of Padova).